The following is an entry in ClinVar:

ClinVar aggregate classification (germline): Conflicting classifications of pathogenicity. Review status: criteria provided, conflicting classifications (1 of 4 stars). 2 submissions from 2 submitters: Uncertain significance (1); Likely benign (1). Last evaluated 2025-12-10.

Conditions:
Hypertrophic cardiomyopathy. Also called: HYPERTROPHIC MYOCARDIOPATHY. Identifiers: Orphanet 217569, MedGen C0007194, MeSH D002312, MONDO:0005045, HP:0001639.

Allele frequency attached by ClinVar (database versions not stated): gnomAD 0.00022; TOPMed 0.00031; gnomAD exomes 0.00032; ESP Exome Variant Server 0.00033; ExAC 0.00036; 1000 Genomes Project 0.00040; 1000 Genomes Project 30x 0.00047.
gnomAD v4.1: 950 of 1,613,758 alleles (0.059%); highest among the groups gnomAD compares: Non-Finnish European, 0.077%; no homozygotes.

Submissions (2):

Labcorp Genetics (formerly Invitae), Labcorp
Classification: Likely benign for Hypertrophic cardiomyopathy. Last evaluated: 2025-12-10. Review status: criteria provided, single submitter. Criteria: Invitae Variant Classification Sherloc (09022015). Collection method: clinical testing. Allele origin: germline.

Ambry Genetics
Classification: Uncertain significance. Last evaluated: 2025-07-29. Review status: criteria provided, single submitter. Criteria: Ambry Variant Classification Scheme 2023. Collection method: clinical testing. Allele origin: germline.
Comment: The p.K675E variant (also known as c.2023A>G), located in coding exon 13 of the MYOM1 gene, results from an A to G substitution at nucleotide position 2023. The lysine at codon 675 is replaced by glutamic acid, an amino acid with similar properties. This amino acid position is conserved. In addition, this alteration is predicted to be deleterious by in silico analysis. Since supporting evidence is limited at this time, the clinical significance of this alteration remains unclear.

NM_003803.4(MYOM1):c.2023A>G (p.Lys675Glu)

Gene: MYOM1 (myomesin 1; minus strand). Cytogenetic location: 18p11.31.
Variant type: single nucleotide variant.
Coding change: c.2023A>G on transcript NM_003803.4 (MANE Select); coding-DNA position 2023, A replaced by G.
Protein change: p.Lys675Glu; replaces lysine 675 with glutamic acid.
Molecular consequence: missense variant.
Genome position (GRCh38, 1-based): chr18:3,141,941, T>C on the plus strand (A>G on the coding strand, the complement: MYOM1 is on the minus strand). VCF-style: chr18-3141941-T-C. GRCh37 (hg19) VCF-style: chr18-3141939-T-C.
Other names: c.2023A>G, p.Lys675Glu (NM_019856.2); short protein forms K675E.
Identifiers: ClinVar variation 410251 (VCV000410251.15), dbSNP rs200179081, ClinGen allele CA8874778.